The following is an entry in ClinVar:

NM_020232.5(PSMG2):c.408-3T>C

Gene: PSMG2 (proteasome assembly chaperone 2; plus strand). Cytogenetic location: 18p11.21.
Variant type: single nucleotide variant.
Coding change: c.408-3T>C on transcript NM_020232.5 (MANE Select); 3 bases into the intron before coding-DNA position 408, T replaced by C.
Molecular consequence: intron variant.
Genome position (GRCh38, 1-based): chr18:12,720,507, T>C. VCF-style: chr18-12720507-T-C. GRCh37 (hg19) VCF-style: chr18-12720506-T-C.
Other names: c.315-3T>C (NM_147163.2).
Identifiers: ClinVar variation 4775284 (VCV004775284.1).

ClinVar aggregate classification (germline): Uncertain significance (1 of 4 stars; one submission).

Submission:

Labcorp Genetics (formerly Invitae), Labcorp
Classification: Uncertain significance. Last evaluated: 2025-12-29. Review status: criteria provided, single submitter. Criteria: Invitae Variant Classification Sherloc (09022015). Collection method: clinical testing. Allele origin: germline.
Comment: This sequence change falls in intron 4 of the PSMG2 gene. It does not directly change the encoded amino acid sequence of the PSMG2 protein. It affects a nucleotide within the consensus splice site. This variant is not present in population databases (gnomAD no frequency). This variant has not been reported in the literature in individuals affected with PSMG2-related conditions. Variants that disrupt the consensus splice site are a relatively common cause of aberrant splicing (PMID: 17576681, 9536098). Algorithms developed to predict the effect of sequence changes on RNA splicing suggest that this variant is not likely to affect RNA splicing. In summary, the available evidence is currently insufficient to determine the role of this variant in disease. Therefore, it has been classified as a Variant of Uncertain Significance.

Literature cited by the submitters: PubMed 17576681; PubMed 9536098.